The following is an entry in ClinVar:

ClinVar aggregate classification (germline): Uncertain significance. Review status: criteria provided, multiple submitters, no conflicts (2 of 4 stars). 2 submissions from 2 submitters: Uncertain significance (2). Last evaluated 2024-04-05.

Conditions:
Multiple congenital anomalies-hypotonia-seizures syndrome 1 (MCAHS1). Also called: GLYCOSYLPHOSPHATIDYLINOSITOL BIOSYNTHESIS DEFECT 3; PIGN-CDG; Congenital disorder of glycosylation due to PIGN deficiency. Identifiers: Orphanet 280633, MedGen C3279775, MONDO:0013563, OMIM 614080.

Allele frequency attached by ClinVar (database versions not stated): gnomAD 0.00001; TOPMed 0.00002.
gnomAD v4.1: 1 of 1,612,696 alleles (0.000062%); highest among the groups gnomAD compares: East Asian, 0.0022%; no homozygotes.

Submissions (2):

Labcorp Genetics (formerly Invitae), Labcorp
Classification: Uncertain significance for Multiple congenital anomalies-hypotonia-seizures syndrome 1. Last evaluated: 2024-04-05. Review status: criteria provided, single submitter. Criteria: Invitae Variant Classification Sherloc (09022015). Collection method: clinical testing. Allele origin: germline.
Comment: This sequence change replaces leucine, which is neutral and non-polar, with serine, which is neutral and polar, at codon 460 of the PIGN protein (p.Leu460Ser). This variant is present in population databases (no rsID available, gnomAD 0.06%). This missense change has been observed in individual(s) with PIGN-related conditions (PMID: 31827275). ClinVar contains an entry for this variant (Variation ID: 869480). Advanced modeling of protein sequence and biophysical properties (such as structural, functional, and spatial information, amino acid conservation, physicochemical variation, residue mobility, and thermodynamic stability) performed at Invitae indicates that this missense variant is not expected to disrupt PIGN protein function with a negative predictive value of 80%. In summary, the available evidence is currently insufficient to determine the role of this variant in disease. Therefore, it has been classified as a Variant of Uncertain Significance.

Victorian Clinical Genetics Services, Murdoch Childrens Research Institute
Classification: Uncertain significance for Multiple congenital anomalies-hypotonia-seizures syndrome 1. Last evaluated: 2018-09-12. Review status: criteria provided, single submitter. Criteria: ACMG Guidelines, 2015. Collection method: clinical testing. Allele origin: unknown. Affected: yes.
Comment: A homozygous missense variant, NM_176787.4(PIGN):c.1379T>C, has been identified in exon 16 of 31 of the PIGN gene. The variant is predicted to result in a major amino acid change from leucine to serine at position 460 of the protein (NP_789744.1(PIGN):p.(Leu460Ser)). The leucine residue at this position hasvery highconservation (100 vertebrates, UCSC), and is located within the PigN superfamily domain. In silico predictions for this variant are consistently pathogenic (Polyphen, SIFT, CADD, Mutation Taster). The variant is present in the gnomAD database at a frequency of 0.003% (1 heterozygote, 0 homozygotes). This variant has not been previously reported in clinical cases. Based on the information available at the time of curation, this variant has been classified as aVARIANT of UNCERTAIN SIGNIFICANCE (VUS) with POTENTIAL CLINICAL RELEVANCE.

Literature cited by the submitters: PubMed 31827275 (cited by Labcorp Genetics (formerly Invitae), Labcorp).

NM_176787.5(PIGN):c.1379T>C (p.Leu460Ser)

Gene: PIGN (phosphatidylinositol glycan anchor biosynthesis class N; minus strand). Cytogenetic location: 18q21.33.
Variant type: single nucleotide variant.
Coding change: c.1379T>C on transcript NM_176787.5 (MANE Select); coding-DNA position 1379, T replaced by C.
Protein change: p.Leu460Ser; replaces leucine 460 with serine.
Molecular consequence: missense variant.
Genome position (GRCh38, 1-based): chr18:62,113,189, A>G on the plus strand (T>C on the coding strand, the complement: PIGN is on the minus strand). VCF-style: chr18-62113189-A-G. GRCh37 (hg19) VCF-style: chr18-59780422-A-G.
Other names: c.1379T>C, p.Leu460Ser (NM_012327.6); short protein forms L460S.
Identifiers: ClinVar variation 869480 (VCV000869480.12), dbSNP rs1250732619, ClinGen allele CA402605766.